The following is an entry in ClinVar:

ClinVar aggregate classification (germline): Likely pathogenic (1 of 4 stars; one submission).

Conditions:
Autosomal recessive limb-girdle muscular dystrophy type 2J (LGMDR10). Also called: Limb-girdle muscular dystrophy, type 2J; MUSCULAR DYSTROPHY, LIMB-GIRDLE, AUTOSOMAL RECESSIVE 10. Identifiers: Orphanet 140922, MedGen C1837342, MONDO:0012127, OMIM 608807.
Dilated cardiomyopathy 1G (CMD1G). Identifiers: Orphanet 154, MedGen C1858763, MONDO:0011400, OMIM 604145.

Submission:

Labcorp Genetics (formerly Invitae), Labcorp
Classification: Likely pathogenic for Dilated cardiomyopathy 1G; Autosomal recessive limb-girdle muscular dystrophy type 2J. Last evaluated: 2026-01-06. Review status: criteria provided, single submitter. Criteria: Invitae Variant Classification Sherloc (09022015). Collection method: clinical testing. Allele origin: germline.
Comment: This variant results in the deletion of part of exon 310 (c.64673-15_64679del) of the TTN gene. It is expected to disrupt RNA splicing and likely results in a truncated or disrupted TTN protein. This variant is not present in population databases (gnomAD no frequency). This variant has not been reported in the literature in individuals affected with TTN-related conditions. This variant is located in the A band of TTN (PMID: 25589632). Truncating variants in this region are significantly overrepresented in patients affected with dilated cardiomyopathy (PMID: 25589632). Truncating variants in this region have also been reported in individuals affected with autosomal recessive centronuclear myopathy (PMID: 23975875). In summary, the currently available evidence indicates that the variant is pathogenic, but additional data are needed to prove that conclusively. Therefore, this variant has been classified as Likely Pathogenic.

Literature cited by the submitters: PubMed 25589632; PubMed 23975875.

NM_001267550.2(TTN):c.64673-15_64679del

Genes: TTN-AS1 (TTN antisense RNA 1; plus strand), TTN (titin; minus strand). Cytogenetic location: 2q31.2.
Variant type: Deletion.
Coding change: c.64673-15_64679del on transcript NM_001267550.2 (MANE Select); 15 bases into the intron before coding-DNA position 64673 through coding-DNA position 64679, 22 bases deleted (TCTTGGTTCATGTAGATGCCCC).
Molecular consequence: splice acceptor variant. On other transcripts: non-coding transcript variant (1).
Genome position (GRCh38, 1-based): chr2:178,584,962-178,584,983, GGGGCATCTACATGAACCAAGA deleted on the plus strand (TCTTGGTTCATGTAGATGCCCC on the coding strand, the reverse complement: TTN is on the minus strand); deleting any 22 consecutive bases within chr2:178,584,962-178,584,985 gives the same sequence; the c. name uses the placement nearest the transcript's 3' end. VCF-style (leftmost placement, unchanged base first): chr2-178584961-GGGGGCATCTACATGAACCAAGA-G. GRCh37 (hg19) VCF-style: chr2-179449688-GGGGGCATCTACATGAACCAAGA-G.
Other names: c.37478-15_37484del (NM_003319.4); c.38054-15_38060del (NM_133437.4); c.37853-15_37859del (NM_133432.3); c.56969-15_56975del (NM_133378.4); c.59750-15_59756del (NM_001256850.1).
Identifiers: ClinVar variation 4787194 (VCV004787194.1).